The following is an entry in ClinVar:

ClinVar aggregate classification (germline): Conflicting classifications of pathogenicity. Review status: criteria provided, conflicting classifications (1 of 4 stars). 2 submissions from 2 submitters: Uncertain significance (1); Likely benign (1). Last evaluated 2023-02-09.

Conditions:
Collagen 6-related myopathy. Identifiers: MedGen CN117976, MONDO:0100225.
Bethlem myopathy 1A. Also called: MYOPATHY, BENIGN CONGENITAL, WITH CONTRACTURES; Bethlem myopathy 1; Bethlem Muscular Dystrophy. Identifiers: Orphanet 610, MedGen CN029274, MONDO:0024530, OMIM 158810.

Allele frequency attached by ClinVar (database versions not stated): TOPMed below 0.00001; gnomAD 0.00001; gnomAD exomes 0.00005 and 0.00011; ExAC 0.00007.
gnomAD v4.1: 73 of 1,613,766 alleles (0.0045%); highest among the groups gnomAD compares: East Asian, 0.14%; no homozygotes.

Submissions (2):

Labcorp Genetics (formerly Invitae), Labcorp
Classification: Uncertain significance for Bethlem myopathy 1A. Last evaluated: 2023-02-09. Review status: criteria provided, single submitter. Criteria: Invitae Variant Classification Sherloc (09022015). Collection method: clinical testing. Allele origin: germline.
Comment: This variant is present in population databases (rs760143724, gnomAD 0.04%). This sequence change falls in intron 23 of the COL6A3 gene. It does not directly change the encoded amino acid sequence of the COL6A3 protein. It affects a nucleotide within the consensus splice site. This variant has not been reported in the literature in individuals affected with COL6A3-related conditions. ClinVar contains an entry for this variant (Variation ID: 894821). Variants that disrupt the consensus splice site are a relatively common cause of aberrant splicing (PMID: 17576681, 9536098). Algorithms developed to predict the effect of sequence changes on RNA splicing suggest that this variant may disrupt the consensus splice site. In summary, the available evidence is currently insufficient to determine the role of this variant in disease. Therefore, it has been classified as a Variant of Uncertain Significance.

Illumina Laboratory Services, Illumina
Classification: Likely benign for Collagen VI-related myopathy. Last evaluated: 2018-01-13. Review status: criteria provided, single submitter. Criteria: ICSL Variant Classification Criteria 13 December 2019. Collection method: clinical testing. Allele origin: germline.
Comment: This variant was observed in the ICSL laboratory as part of a predisposition screen in an ostensibly healthy population. It had not been previously curated by ICSL or reported in the Human Gene Mutation Database (HGMD: prior to June 1st, 2018), and was therefore a candidate for classification through an automated scoring system. Utilizing variant allele frequency, disease prevalence and penetrance estimates, and inheritance mode, an automated score was calculated to assess if this variant is too frequent to cause the disease. Based on the score and internal cut-off values, a variant classified as likely benign is not then subjected to further curation. The score for this variant resulted in a classification of likely benign for this disease.

Literature cited by the submitters: PubMed 17576681 (cited by Labcorp Genetics (formerly Invitae), Labcorp); PubMed 9536098 (cited by Labcorp Genetics (formerly Invitae), Labcorp).

NM_004369.4(COL6A3):c.6592-3C>T

Gene: COL6A3 (collagen type VI alpha 3 chain; minus strand). Cytogenetic location: 2q37.3.
Variant type: single nucleotide variant.
Coding change: c.6592-3C>T on transcript NM_004369.4 (MANE Select); 3 bases into the intron before coding-DNA position 6592, C replaced by T.
Molecular consequence: intron variant.
Genome position (GRCh38, 1-based): chr2:237,354,937, G>A on the plus strand (C>T on the coding strand, the complement: COL6A3 is on the minus strand). VCF-style: chr2-237354937-G-A. GRCh37 (hg19) VCF-style: chr2-238263580-G-A.
Other names: c.4771-3C>T (NM_057166.5); c.5974-3C>T (NM_057167.4).
Identifiers: ClinVar variation 894821 (VCV000894821.8), dbSNP rs760143724, ClinGen allele CA2188178.